The following is an entry in ClinVar:

ClinVar aggregate classification (germline): Conflicting classifications of pathogenicity. Review status: criteria provided, conflicting classifications (1 of 4 stars). 4 submissions from 4 submitters: Uncertain significance (1); Benign (1); Likely benign (2). Last evaluated 2025-12-04.

Conditions:
Inborn genetic diseases. Identifiers: MedGen C0950123, MeSH D030342.
Microcephaly 5, primary, autosomal recessive (MCPH5). Also called: ASPM Primary Microcephaly. Identifiers: Orphanet 2512, MedGen C1837501, MONDO:0012106, OMIM 608716.

Allele frequency attached by ClinVar (database versions not stated): gnomAD 0.00024 and 0.00026; ExAC 0.00026; TOPMed 0.00028; gnomAD exomes 0.00034; ESP Exome Variant Server 0.00054.
gnomAD v4.1: 280 of 1,606,810 alleles (0.017%); highest among the groups gnomAD compares: African/African-American, 0.042%; 1 homozygote.

Submissions (4):

Labcorp Genetics (formerly Invitae), Labcorp
Classification: Benign. Last evaluated: 2025-12-04. Review status: criteria provided, single submitter. Criteria: Invitae Variant Classification Sherloc (09022015). Collection method: clinical testing. Allele origin: germline.

Ambry Genetics
Classification: Likely benign for Inborn genetic diseases. Last evaluated: 2021-10-21. Review status: criteria provided, single submitter. Criteria: Ambry Variant Classification Scheme 2023. Collection method: clinical testing. Allele origin: germline.

Illumina Laboratory Services, Illumina
Classification: Uncertain significance for Microcephaly 5, primary, autosomal recessive. Last evaluated: 2018-01-13. Review status: criteria provided, single submitter. Criteria: ICSL Variant Classification Criteria 13 December 2019. Collection method: clinical testing. Allele origin: germline.

GeneDx
Classification: Likely benign. Last evaluated: 2017-12-20. Review status: criteria provided, single submitter. Criteria: GeneDx Variant Classification (06012015). Collection method: clinical testing. Allele origin: germline. Affected: yes.
Comment: This variant is considered likely benign or benign based on one or more of the following criteria: it is a conservative change, it occurs at a poorly conserved position in the protein, it is predicted to be benign by multiple in silico algorithms, and/or has population frequency not consistent with disease.

NM_018136.5(ASPM):c.3229A>C (p.Lys1077Gln)

Gene: ASPM (assembly factor for spindle microtubules; minus strand). Cytogenetic location: 1q31.3.
Variant type: single nucleotide variant.
Coding change: c.3229A>C on transcript NM_018136.5 (MANE Select); coding-DNA position 3229, A replaced by C.
Protein change: p.Lys1077Gln; replaces lysine 1077 with glutamine.
Molecular consequence: missense variant.
Genome position (GRCh38, 1-based): chr1:197,124,271, T>G on the plus strand (A>C on the coding strand, the complement: ASPM is on the minus strand). VCF-style: chr1-197124271-T-G. GRCh37 (hg19) VCF-style: chr1-197093401-T-G.
Other names: c.3229A>C, p.Lys1077Gln (NM_001206846.2); short protein forms K1077Q.
Identifiers: ClinVar variation 513849 (VCV000513849.14), dbSNP rs139317695, ClinGen allele CA1310219.